The following is an entry in ClinVar:

NM_001040108.2(MLH3):c.1039T>G (p.Phe347Val)

Gene: MLH3 (mutL homolog 3; minus strand). Cytogenetic location: 14q24.3.
Variant type: single nucleotide variant.
Coding change: c.1039T>G on transcript NM_001040108.2 (MANE Select); coding-DNA position 1039, T replaced by G.
Protein change: p.Phe347Val; replaces phenylalanine 347 with valine.
Molecular consequence: missense variant.
Genome position (GRCh38, 1-based): chr14:75,048,617, A>C on the plus strand (T>G on the coding strand, the complement: MLH3 is on the minus strand). VCF-style: chr14-75048617-A-C. GRCh37 (hg19) VCF-style: chr14-75515320-A-C.
Other names: c.1039T>G, p.Phe347Val (NM_014381.3); short protein forms F347V.
Identifiers: ClinVar variation 4108671 (VCV004108671.1).

ClinVar aggregate classification (germline): Uncertain significance (1 of 4 stars; one submission).

Submission:

Ambry Genetics
Classification: Uncertain significance. Last evaluated: 2025-08-20. Review status: criteria provided, single submitter. Criteria: Ambry Variant Classification Scheme 2023. Collection method: clinical testing. Allele origin: germline.
Comment: The p.F347V variant (also known as c.1039T>G), located in coding exon 1 of the MLH3 gene, results from a T to G substitution at nucleotide position 1039. The phenylalanine at codon 347 is replaced by valine, an amino acid with highly similar properties. This amino acid position is conserved. In addition, this alteration is predicted to be deleterious by in silico analysis. Based on the available evidence, the clinical significance of this variant remains unclear.